The following is an entry in ClinVar:

ClinVar aggregate classification (germline): Uncertain significance (1 of 4 stars; one submission).

Submission:

GeneDx
Classification: Uncertain significance. Last evaluated: 2022-07-22. Review status: criteria provided, single submitter. Criteria: GeneDx Variant Classification Process June 2021. Collection method: clinical testing. Allele origin: germline. Affected: yes.
Comment: Not observed at significant frequency in large population cohorts (gnomAD); In silico analysis supports that this missense variant has a deleterious effect on protein structure/function; Has not been previously published as pathogenic or benign to our knowledge

NM_015213.4(DENND5A):c.3457C>A (p.His1153Asn)

Gene: DENND5A (DENN domain containing 5A; minus strand). Cytogenetic location: 11p15.4.
Variant type: single nucleotide variant.
Coding change: c.3457C>A on transcript NM_015213.4 (MANE Select); coding-DNA position 3457, C replaced by A.
Protein change: p.His1153Asn; replaces histidine 1153 with asparagine.
Molecular consequence: missense variant. On other transcripts: non-coding transcript variant (1).
Genome position (GRCh38, 1-based): chr11:9,142,776, G>T on the plus strand (C>A on the coding strand, the complement: DENND5A is on the minus strand). VCF-style: chr11-9142776-G-T. GRCh37 (hg19) VCF-style: chr11-9164323-G-T.
Other names: c.3457C>A, p.His1153Asn (NM_001243254.2, NM_001348748.1); c.3385C>A, p.His1129Asn (NM_001348749.2); c.3169C>A, p.His1057Asn (NM_001348750.2); short protein forms H1057N, H1129N, H1153N.
Identifiers: ClinVar variation 2136115 (VCV002136115.1), dbSNP rs2542223656, ClinGen allele CA379598868.
Genomic context (GRCh38, chr11:9,142,776, plus strand): 5'-ACTCACCCAGGAAATCCCAAATGAAGACATTTTTGAAGAGCCGGGGCGATTTAAATCCAT[G>T]CTGGAAAGCCTGTTCCAAGGCCGAGACAAGGCCACACTCTCCACAGAGCAACAGCGTCAG-3'
Protein context (NP_056028.2, residues 1143-1163): LVSALEQAFQ[His1153Asn]GFKSPRLFKN